The following is an entry in ClinVar:

ClinVar aggregate classification (germline): Uncertain significance (1 of 4 stars; one submission).

Conditions:
Brugada syndrome 6 (BRGDA6). Identifiers: Orphanet 130, MedGen C2751089, MONDO:0013145, OMIM 613119.

Allele frequency attached by ClinVar (database versions not stated): TOPMed below 0.00001.

Submission:

Labcorp Genetics (formerly Invitae), Labcorp
Classification: Uncertain significance for Brugada syndrome 6. Last evaluated: 2017-11-02. Review status: criteria provided, single submitter. Criteria: Invitae Variant Classification Sherloc (09022015). Collection method: clinical testing. Allele origin: germline.
Comment: This sequence change replaces methionine with leucine at codon 59 of the KCNE3 protein (p.Met59Leu). The methionine residue is moderately conserved and there is a small physicochemical difference between methionine and leucine. This variant is not present in population databases (ExAC no frequency). This variant has not been reported in the literature in individuals with KCNE3-related disease. Algorithms developed to predict the effect of missense changes on protein structure and function (SIFT, PolyPhen-2, Align-GVGD) all suggest that this variant is likely to be tolerated, but these predictions have not been confirmed by published functional studies and their clinical significance is uncertain. In summary, the available evidence is currently insufficient to determine the role of this variant in disease. Therefore, it has been classified as a Variant of Uncertain Significance.

NM_005472.5(KCNE3):c.175A>C (p.Met59Leu)

Gene: KCNE3 (potassium voltage-gated channel subfamily E regulatory subunit 3; minus strand). Cytogenetic location: 11q13.4.
Variant type: single nucleotide variant.
Coding change: c.175A>C on transcript NM_005472.5 (MANE Select); coding-DNA position 175, A replaced by C.
Protein change: p.Met59Leu; replaces methionine 59 with leucine.
Molecular consequence: missense variant.
Genome position (GRCh38, 1-based): chr11:74,457,389, T>G on the plus strand (A>C on the coding strand, the complement: KCNE3 is on the minus strand). VCF-style: chr11-74457389-T-G. GRCh37 (hg19) VCF-style: chr11-74168434-T-G.
Other names: short protein forms M59L.
Identifiers: ClinVar variation 538116 (VCV000538116.8), dbSNP rs1555108630, ClinGen allele CA381973918.